The following is an entry in ClinVar:

NM_014249.4(NR2E3):c.250C>T (p.Gln84Ter)

Gene: NR2E3 (nuclear receptor subfamily 2 group E member 3; plus strand). Cytogenetic location: 15q23.
Variant type: single nucleotide variant.
Coding change: c.250C>T on transcript NM_014249.4 (MANE Select); coding-DNA position 250, C replaced by T.
Protein change: p.Gln84Ter; replaces glutamine 84 with a stop codon.
Molecular consequence: nonsense.
Genome position (GRCh38, 1-based): chr15:71,811,770, C>T. VCF-style: chr15-71811770-C-T. GRCh37 (hg19) VCF-style: chr15-72104110-C-T.
Other names: c.250C>T, p.Gln84Ter (NM_016346.4); short protein forms Q84*.
Identifiers: ClinVar variation 1072667 (VCV001072667.8), dbSNP rs1298419011, ClinGen allele CA393032308.

ClinVar aggregate classification (germline): Pathogenic/Likely pathogenic. Review status: criteria provided, multiple submitters, no conflicts (2 of 4 stars). 2 submissions from 2 submitters: Pathogenic (1); Likely pathogenic (1). Last evaluated 2025-02-11.

Conditions:
Enhanced S-cone syndrome (ESCS). Identifiers: Orphanet 53540, MedGen C1849394, MONDO:0100288, MONDO:0009989.

Allele frequency attached by ClinVar (database versions not stated): TOPMed below 0.00001; gnomAD 0.00002.

Submissions (2):

Labcorp Genetics (formerly Invitae), Labcorp
Classification: Pathogenic. Last evaluated: 2025-02-11. Review status: criteria provided, single submitter. Criteria: Invitae Variant Classification Sherloc (09022015). Collection method: clinical testing. Allele origin: germline.
Comment: This sequence change creates a premature translational stop signal (p.Gln84*) in the NR2E3 gene. It is expected to result in an absent or disrupted protein product. Loss-of-function variants in NR2E3 are known to be pathogenic (PMID: 15459973, 27522502). This variant is not present in population databases (gnomAD no frequency). This variant has not been reported in the literature in individuals affected with NR2E3-related conditions. ClinVar contains an entry for this variant (Variation ID: 1072667). For these reasons, this variant has been classified as Pathogenic.

Baylor Genetics
Classification: Likely pathogenic for ENHANCED S-CONE SYNDROME 1. Last evaluated: 2024-03-05. Review status: criteria provided, single submitter. Criteria: ACMG Guidelines, 2015. Collection method: clinical testing. Allele origin: unknown.

Literature cited by the submitters: PubMed 15459973 (cited by Labcorp Genetics (formerly Invitae), Labcorp); PubMed 27522502 (cited by Labcorp Genetics (formerly Invitae), Labcorp).